The following is an entry in ClinVar:

NM_020639.3(RIPK4):c.*707G>A

Gene: RIPK4 (receptor interacting serine/threonine kinase 4; minus strand). Cytogenetic location: 21q22.3.
Variant type: single nucleotide variant.
Coding change: c.*707G>A on transcript NM_020639.3 (MANE Select); 707 bases downstream of the stop codon, G replaced by A.
Molecular consequence: 3 prime UTR variant.
Genome position (GRCh38, 1-based): chr21:41,740,131, C>T on the plus strand (G>A on the coding strand, the complement: RIPK4 is on the minus strand). VCF-style: chr21-41740131-C-T. GRCh37 (hg19) VCF-style: chr21-43160291-C-T.
Identifiers: ClinVar variation 339997 (VCV000339997.5), dbSNP rs115461340, ClinGen allele CA10652979.
Genomic context (GRCh38, chr21:41,740,131, plus strand): 5'-TAGAGTTGCCAAAACATCTTAGGCAACGAGAAACGAACGGCAGCTAGTACCATGTGGGCA[C>T]GTGTGTGTGGTTGTCCACAAGGACTCACCCAAGTAATAGACTGGAATGGTTAAGAGCTGG-3'

ClinVar aggregate classification (germline): Benign (1 of 4 stars; one submission).

Conditions:
Bartsocas-Papas syndrome 1. Also called: Bartsocas-Papas syndrome; MULTIPLE PTERYGIUM SYNDROME, ASLAN TYPE; PTERYGIUM, POPLITEAL, LETHAL TYPE. Identifiers: Orphanet 1234, MedGen C1849718, MONDO:0009901, OMIM 263650.

Allele frequency attached by ClinVar (database versions not stated): 1000 Genomes Project 0.00639; 1000 Genomes Project 30x 0.00734; gnomAD 0.00959 and 0.01049; TOPMed 0.01106.

Submission:

Illumina Laboratory Services, Illumina
Classification: Benign for Bartsocas-Papas syndrome 1. Last evaluated: 2018-01-12. Review status: criteria provided, single submitter. Criteria: ICSL Variant Classification Criteria 13 December 2019. Collection method: clinical testing. Allele origin: germline.
Comment: This variant was observed in the ICSL laboratory as part of a predisposition screen in an ostensibly healthy population. It had not been previously curated by ICSL or reported in the Human Gene Mutation Database (HGMD: prior to June 1st, 2018), and was therefore a candidate for classification through an automated scoring system. Utilizing variant allele frequency, disease prevalence and penetrance estimates, and inheritance mode, an automated score was calculated to assess if this variant is too frequent to cause the disease. Based on the score and internal cut-off values, a variant classified as benign is not then subjected to further curation. The score for this variant resulted in a classification of benign for this disease.